The following is an entry in ClinVar:

NM_052947.4(ALPK2):c.118A>G (p.Lys40Glu)

Gene: ALPK2 (alpha kinase 2; minus strand). Cytogenetic location: 18q21.32.
Variant type: single nucleotide variant.
Coding change: c.118A>G on transcript NM_052947.4 (MANE Select); coding-DNA position 118, A replaced by G.
Protein change: p.Lys40Glu; replaces lysine 40 with glutamic acid.
Molecular consequence: missense variant.
Genome position (GRCh38, 1-based): chr18:58,607,431, T>C on the plus strand (A>G on the coding strand, the complement: ALPK2 is on the minus strand). VCF-style: chr18-58607431-T-C. GRCh37 (hg19) VCF-style: chr18-56274663-T-C.
Other names: short protein forms K40E.
Identifiers: ClinVar variation 3228560 (VCV003228560.1), dbSNP rs2518913017, ClinGen allele CA402556347.

ClinVar aggregate classification (germline): Uncertain significance (1 of 4 stars; one submission).

Submission:

Ambry Genetics
Classification: Uncertain significance. Last evaluated: 2023-12-15. Review status: criteria provided, single submitter. Criteria: Ambry Variant Classification Scheme 2023. Collection method: clinical testing. Allele origin: germline.
Comment: The p.K40E variant (also known as c.118A>G), located in coding exon 2 of the ALPK2 gene, results from an A to G substitution at nucleotide position 118. The lysine at codon 40 is replaced by glutamic acid, an amino acid with similar properties. This amino acid position is conserved. In addition, this alteration is predicted to be tolerated by in silico analysis. Since supporting evidence is limited at this time, the clinical significance of this alteration remains unclear.